The following is an entry in ClinVar:

NM_001083961.2(WDR62):c.2251T>A (p.Cys751Ser)

Gene: WDR62 (WD repeat domain 62; plus strand). Cytogenetic location: 19q13.12.
Variant type: single nucleotide variant.
Coding change: c.2251T>A on transcript NM_001083961.2 (MANE Select); coding-DNA position 2251, T replaced by A.
Protein change: p.Cys751Ser; replaces cysteine 751 with serine.
Molecular consequence: missense variant.
Genome position (GRCh38, 1-based): chr19:36,092,729, T>A. VCF-style: chr19-36092729-T-A. GRCh37 (hg19) VCF-style: chr19-36583631-T-A.
Other names: c.2236T>A, p.Cys746Ser (NM_001411145.1); c.2251T>A, p.Cys751Ser (NM_001411146.1, NM_173636.5); c.1900T>A, p.Cys634Ser (NM_001411147.1); short protein forms C746S, C634S, C751S.
Identifiers: ClinVar variation 1939602 (VCV001939602.5), dbSNP rs1972701615, ClinGen allele CA405443965.

ClinVar aggregate classification (germline): Uncertain significance (1 of 4 stars; one submission).

gnomAD v4.1: 5 of 1,614,176 alleles (0.00031%); highest among the groups gnomAD compares: Non-Finnish European, 0.00034%; no homozygotes.

Submission:

Labcorp Genetics (formerly Invitae), Labcorp
Classification: Uncertain significance. Last evaluated: 2022-02-23. Review status: criteria provided, single submitter. Criteria: Invitae Variant Classification Sherloc (09022015). Collection method: clinical testing. Allele origin: germline.
Comment: This sequence change replaces cysteine, which is neutral and slightly polar, with serine, which is neutral and polar, at codon 751 of the WDR62 protein (p.Cys751Ser). This variant is not present in population databases (gnomAD no frequency). This variant has not been reported in the literature in individuals affected with WDR62-related conditions. Algorithms developed to predict the effect of missense changes on protein structure and function are either unavailable or do not agree on the potential impact of this missense change (SIFT: "Tolerated"; PolyPhen-2: "Probably Damaging"; Align-GVGD: "Class C0"). In summary, the available evidence is currently insufficient to determine the role of this variant in disease. Therefore, it has been classified as a Variant of Uncertain Significance.